The following is an entry in ClinVar:

ClinVar aggregate classification (germline): Uncertain significance. Review status: criteria provided, multiple submitters, no conflicts (2 of 4 stars). 2 submissions from 2 submitters: Uncertain significance (2). Last evaluated 2023-05-23.

Conditions:
Inborn genetic diseases. Identifiers: MedGen C0950123, MeSH D030342.

Allele frequency attached by ClinVar (database versions not stated): gnomAD exomes below 0.00001 and 0.00001; TOPMed below 0.00001; ExAC 0.00001; gnomAD 0.00001.
gnomAD v4.1: 9 of 1,613,850 alleles (0.00056%); highest among the groups gnomAD compares: East Asian, 0.0022%; no homozygotes.

Submissions (2):

Ambry Genetics
Classification: Uncertain significance for Inborn genetic diseases. Last evaluated: 2023-05-23. Review status: criteria provided, single submitter. Criteria: Ambry Variant Classification Scheme 2023. Collection method: clinical testing. Allele origin: germline.

Labcorp Genetics (formerly Invitae), Labcorp
Classification: Uncertain significance. Last evaluated: 2021-07-14. Review status: criteria provided, single submitter. Criteria: Invitae Variant Classification Sherloc (09022015). Collection method: clinical testing. Allele origin: germline.
Comment: This variant is present in population databases (rs778788811, ExAC 0.006%). This variant has not been reported in the literature in individuals affected with MYO18B-related conditions. Algorithms developed to predict the effect of missense changes on protein structure and function are either unavailable or do not agree on the potential impact of this missense change (SIFT: "Not Available"; PolyPhen-2: "Probably Damaging"; Align-GVGD: "Not Available"). In summary, the available evidence is currently insufficient to determine the role of this variant in disease. Therefore, it has been classified as a Variant of Uncertain Significance. This sequence change replaces alanine with threonine at codon 855 of the MYO18B protein (p.Ala855Thr). The alanine residue is highly conserved and there is a small physicochemical difference between alanine and threonine.

NM_032608.7(MYO18B):c.2563G>A (p.Ala855Thr)

Gene: MYO18B (myosin XVIIIB; plus strand). Cytogenetic location: 22q12.1.
Variant type: single nucleotide variant.
Coding change: c.2563G>A on transcript NM_032608.7 (MANE Select); coding-DNA position 2563, G replaced by A.
Protein change: p.Ala855Thr; replaces alanine 855 with threonine.
Molecular consequence: missense variant.
Genome position (GRCh38, 1-based): chr22:25,823,546, G>A. VCF-style: chr22-25823546-G-A. GRCh37 (hg19) VCF-style: chr22-26219513-G-A.
Other names: c.2563G>A, p.Ala855Thr (NM_001318245.2); c.2563G>A (NM_032608.5); short protein forms A855T.
Identifiers: ClinVar variation 1366016 (VCV001366016.11), dbSNP rs778788811, ClinGen allele CA10160223.